The following is an entry in ClinVar:

ClinVar aggregate classification (germline): Uncertain significance (1 of 4 stars; one submission).

gnomAD v4.1: 9 of 1,614,224 alleles (0.00056%); highest among the groups gnomAD compares: Non-Finnish European, 0.00076%; no homozygotes.

Submission:

Labcorp Genetics (formerly Invitae), Labcorp
Classification: Uncertain significance. Last evaluated: 2024-02-05. Review status: criteria provided, single submitter. Criteria: Invitae Variant Classification Sherloc (09022015). Collection method: clinical testing. Allele origin: germline.
Comment: This sequence change falls in intron 23 of the ELP1 gene. It does not directly change the encoded amino acid sequence of the ELP1 protein. It affects a nucleotide within the consensus splice site. This variant is present in population databases (no rsID available, gnomAD 0.0009%). This variant has not been reported in the literature in individuals affected with ELP1-related conditions. Variants that disrupt the consensus splice site are a relatively common cause of aberrant splicing (PMID: 17576681, 9536098). Algorithms developed to predict the effect of sequence changes on RNA splicing suggest that this variant is not likely to affect RNA splicing. In summary, the available evidence is currently insufficient to determine the role of this variant in disease. Therefore, it has been classified as a Variant of Uncertain Significance.

Literature cited by the submitters: PubMed 17576681; PubMed 9536098.

NM_003640.5(ELP1):c.2501+4T>C

Gene: ELP1 (elongator acetyltransferase complex subunit 1; minus strand). Cytogenetic location: 9q31.3.
Variant type: single nucleotide variant.
Coding change: c.2501+4T>C on transcript NM_003640.5 (MANE Select); 4 bases into the intron after coding-DNA position 2501, T replaced by C.
Molecular consequence: intron variant.
Genome position (GRCh38, 1-based): chr9:108,897,144, A>G on the plus strand (T>C on the coding strand, the complement: ELP1 is on the minus strand). VCF-style: chr9-108897144-A-G. GRCh37 (hg19) VCF-style: chr9-111659424-A-G.
Other names: c.2159+4T>C (NM_001318360.2); c.1454+4T>C (NM_001330749.2).
Identifiers: ClinVar variation 3606171 (VCV003606171.2).